The following is an entry in ClinVar:

ClinVar aggregate classification (germline): Likely benign. Review status: criteria provided, multiple submitters, no conflicts (2 of 4 stars). 5 submissions from 5 submitters: Likely benign (5). Last evaluated 2025-03-10.

Conditions:
Cardiovascular phenotype. Identifiers: MedGen CN230736.
Cardiomyopathy (CMYO). Also called: Cardiomyopathies. Identifiers: Orphanet 167848, MedGen C0878544, MONDO:0004994, HP:0001638. Inheritance: Various modes of inheritance.
Arrhythmogenic cardiomyopathy with wooly hair and keratoderma. Also called: Dilated cardiomyopathy with woolly hair and keratoderma; Arrhythmogenic cardiomyopathy with woolly hair and keratoderma; PALMOPLANTAR KERATODERMA WITH LEFT VENTRICULAR CARDIOMYOPATHY AND WOOLLY HAIR; Carvajal syndrome. Identifiers: Orphanet 65282, MedGen C1854063, MONDO:0011581, OMIM 605676.
Arrhythmogenic right ventricular dysplasia 8 (ARVD8). Also called: ARRHYTHMOGENIC RIGHT VENTRICULAR DYSPLASIA, FAMILIAL, 8; ARRHYTHMOGENIC RIGHT VENTRICULAR CARDIOMYOPATHY 8; Arrhythmogenic Right Ventricular Dysplasia/Cardiomyopathy 8. Identifiers: MedGen C1843896, MONDO:0011831, OMIM 607450.

Allele frequency attached by ClinVar (database versions not stated): gnomAD 0.00001; gnomAD exomes 0.00001 and 0.00002; ExAC 0.00003.
gnomAD v4.1: 23 of 1,614,032 alleles (0.0014%); highest among the groups gnomAD compares: South Asian, 0.0022%; no homozygotes.

Submissions (5):

Labcorp Genetics (formerly Invitae), Labcorp
Classification: Likely benign for Arrhythmogenic cardiomyopathy with wooly hair and keratoderma; Arrhythmogenic right ventricular dysplasia 8. Last evaluated: 2025-03-10. Review status: criteria provided, single submitter. Criteria: Invitae Variant Classification Sherloc (09022015). Collection method: clinical testing. Allele origin: germline.

Ambry Genetics
Classification: Likely benign for Cardiovascular phenotype. Last evaluated: 2024-05-28. Review status: criteria provided, single submitter. Criteria: Ambry Variant Classification Scheme 2023. Collection method: clinical testing. Allele origin: germline.

All of Us Research Program, National Institutes of Health
Classification: Likely benign for Arrhythmogenic cardiomyopathy with wooly hair and keratoderma. Last evaluated: 2024-01-11. Review status: criteria provided, single submitter. Criteria: ACMG Guidelines, 2015. Collection method: clinical testing. Allele origin: germline. Inheritance: Autosomal dominant inheritance. Observed: 5 variant alleles, 5 heterozygotes.
Comment: This study involves interpretation of variants in research participants for the purpose of population health screening. Participant phenotype was not available at the time of variant classification. Additional details can be found in publication PMID: 35346344, PMCID: PMC8962531

Color Diagnostics, LLC DBA Color Health
Classification: Likely benign for Cardiomyopathy. Last evaluated: 2022-11-06. Review status: criteria provided, single submitter. Criteria: ACMG Guidelines, 2015. Collection method: clinical testing. Allele origin: germline.

Blueprint Genetics
Classification: Likely benign. Last evaluated: 2020-05-04. Review status: criteria provided, single submitter. Criteria: ACMG Guidelines, 2015. Collection method: clinical testing. Allele origin: germline.

NM_004415.4(DSP):c.3222G>A (p.Ala1074=)

Gene: DSP (desmoplakin; plus strand). Cytogenetic location: 6p24.3.
Variant type: single nucleotide variant.
Coding change: c.3222G>A on transcript NM_004415.4 (MANE Select); coding-DNA position 3222, G replaced by A.
Protein change: p.Ala1074=; no amino-acid change (alanine 1074 retained).
Molecular consequence: synonymous variant.
Genome position (GRCh38, 1-based): chr6:7,579,412, G>A. VCF-style: chr6-7579412-G-A. GRCh37 (hg19) VCF-style: chr6-7579645-G-A.
Other names: c.3222G>A, p.Ala1074= (NM_001008844.3, NM_001319034.2); c.3222G>A (NM_004415.2).
Identifiers: ClinVar variation 1107249 (VCV001107249.13), dbSNP rs772040899, ClinGen allele CA037479.